The following is an entry in ClinVar:

ClinVar aggregate classification (germline): Pathogenic (1 of 4 stars; one submission).

Conditions:
Combined malonic and methylmalonic acidemia. Identifiers: Orphanet 289504, MedGen C3280314, MONDO:0013661, OMIM 614265.

Submission:

Labcorp Genetics (formerly Invitae), Labcorp
Classification: Pathogenic for Combined malonic and methylmalonic acidemia. Last evaluated: 2023-12-14. Review status: criteria provided, single submitter. Criteria: Invitae Variant Classification Sherloc (09022015). Collection method: clinical testing. Allele origin: germline.
Comment: This sequence change creates a premature translational stop signal (p.Arg74Profs*31) in the ACSF3 gene. It is expected to result in an absent or disrupted protein product. Loss-of-function variants in ACSF3 are known to be pathogenic (PMID: 21841779, 26827111). This variant is not present in population databases (gnomAD no frequency). This variant has not been reported in the literature in individuals affected with ACSF3-related conditions. For these reasons, this variant has been classified as Pathogenic.

Literature cited by the submitters: PubMed 21841779; PubMed 26827111.

NM_001243279.3(ACSF3):c.220dup (p.Arg74fs)

Gene: ACSF3 (acyl-CoA synthetase family member 3; plus strand). Cytogenetic location: 16q24.3.
Variant type: Duplication.
Coding change: c.220dup on transcript NM_001243279.3 (MANE Select); coding-DNA position 220, one base duplicated (C; older notation c.220dupC).
Protein change: p.Arg74fs; shifts the reading frame from arginine 74.
Molecular consequence: frameshift variant. On other transcripts: non-coding transcript variant (3), intron variant (1).
Genome position (GRCh38, 1-based): chr16:89,100,901, C duplicated; the last of 3 consecutive C bases (chr16:89,100,899-89,100,901); duplicating any one gives the same sequence. VCF-style (leftmost placement, unchanged base first): chr16-89100898-T-TC. GRCh37 (hg19) VCF-style: chr16-89167306-T-TC.
Other names: c.220dup, p.Arg74fs (NM_001127214.4, NM_174917.5); c.-129-1703dup (NM_001284316.2); short protein forms R74fs.
Identifiers: ClinVar variation 2703212 (VCV002703212.3), dbSNP rs2543520647, ClinGen allele CA2697555993.
Genomic context (GRCh38, chr16:89,100,898, plus strand): 5'-TTTGGGGACAGAATCGCCCTGGTTGACCAGCACGGCCGCCACACGTACAGGGAGCTTTAT[T>TC]CCCGCAGCCTTCGCCTGTCCCAGGAGATCTGCAGGCTCTGCGGGTGTGTCGGCGGGGACC-3'